The following is an entry in ClinVar:

ClinVar aggregate classification (germline): Likely benign. Review status: criteria provided, multiple submitters, no conflicts (2 of 4 stars). 2 submissions from 2 submitters: Likely benign (2). Last evaluated 2025-04-28.

Conditions:
ABCA4-related disorder. Also called: ABCA4-related disorders; ABCA4-related condition. Identifiers: MedGen CN239167.

Allele frequency attached by ClinVar (database versions not stated): ExAC 0.00002; gnomAD 0.00002 and 0.00003; gnomAD exomes 0.00003 and 0.00004; TOPMed 0.00005; ESP Exome Variant Server 0.00008.
gnomAD v4.1: 63 of 1,613,864 alleles (0.0039%); highest among the groups gnomAD compares: South Asian, 0.013%; no homozygotes.

Submissions (2):

Labcorp Genetics (formerly Invitae), Labcorp
Classification: Likely benign. Last evaluated: 2025-04-28. Review status: criteria provided, single submitter. Criteria: Invitae Variant Classification Sherloc (09022015). Collection method: clinical testing. Allele origin: germline.

PreventionGenetics, part of Exact Sciences
Classification: Likely benign for ABCA4-related condition. Last evaluated: 2025-04-25. Review status: criteria provided, single submitter. Criteria: ACMG Guidelines, 2015. Collection method: clinical testing. Allele origin: germline.
Comment: This variant is classified as likely benign based on ACMG/AMP sequence variant interpretation guidelines (Richards et al. 2015 PMID: 25741868, with internal and published modifications).

NM_000350.3(ABCA4):c.5928C>T (p.Ala1976=)

Gene: ABCA4 (ATP binding cassette subfamily A member 4; minus strand). Cytogenetic location: 1p22.1.
Variant type: single nucleotide variant.
Coding change: c.5928C>T on transcript NM_000350.3 (MANE Select); coding-DNA position 5928, C replaced by T.
Protein change: p.Ala1976=; no amino-acid change (alanine 1976 retained).
Molecular consequence: synonymous variant.
Genome position (GRCh38, 1-based): chr1:94,007,711, G>A on the plus strand (C>T on the coding strand, the complement: ABCA4 is on the minus strand). VCF-style: chr1-94007711-G-A. GRCh37 (hg19) VCF-style: chr1-94473267-G-A.
Other names: c.5928C>T (NM_000350.2); c.5706C>T, p.Ala1902= (NM_001425324.1).
Identifiers: ClinVar variation 1596723 (VCV001596723.9), dbSNP rs376767237, ClinGen allele CA957063.
Genomic context (GRCh38, chr1:94,007,711, plus strand): 5'-GGCATCCCCTGAGGTCACTGTGGTGTCCCCAGTGAGCATCTTGAATGTGGTTGTTTTGCC[G>A]GCACCATTCACTCCCAGGAGGCCAAAGCACTAGGAGAAAACACAGAGCTAGCCTGGCCCT-3'
Protein context (NP_000341.2, residues 1966-1986): ECFGLLGVNG[Ala1976=]GKTTTFKMLT